The following is an entry in ClinVar:

ClinVar aggregate classification (germline): Uncertain significance. Review status: criteria provided, multiple submitters, no conflicts (2 of 4 stars). 5 submissions from 5 submitters: Uncertain significance (5). Last evaluated 2025-12-03.

Conditions:
Dilated cardiomyopathy 1HH (CMD1HH). Identifiers: Orphanet 154, MedGen C3151293, MONDO:0013479, OMIM 613881.
Myofibrillar myopathy 6. Identifiers: Orphanet 199340, MedGen C2751831, MONDO:0013061, OMIM 612954.
Cardiovascular phenotype. Identifiers: MedGen CN230736.

Allele frequency attached by ClinVar (database versions not stated): TOPMed 0.00001; gnomAD 0.00002; gnomAD exomes 0.00002.
gnomAD v4.1: 30 of 1,614,004 alleles (0.0019%); highest among the groups gnomAD compares: Non-Finnish European, 0.0023%; no homozygotes.

Submissions (5):

Labcorp Genetics (formerly Invitae), Labcorp
Classification: Uncertain significance for Dilated cardiomyopathy 1HH; Myofibrillar myopathy 6. Last evaluated: 2025-12-03. Review status: criteria provided, single submitter. Criteria: Invitae Variant Classification Sherloc (09022015). Collection method: clinical testing. Allele origin: germline.
Comment: This sequence change replaces tyrosine, which is neutral and polar, with cysteine, which is neutral and slightly polar, at codon 233 of the BAG3 protein (p.Tyr233Cys). This variant is not present in population databases (gnomAD no frequency). This variant has not been reported in the literature in individuals affected with BAG3-related conditions. ClinVar contains an entry for this variant (Variation ID: 571982). Invitae Evidence Modeling of protein sequence and biophysical properties (such as structural, functional, and spatial information, amino acid conservation, physicochemical variation, residue mobility, and thermodynamic stability) indicates that this missense variant is not expected to disrupt BAG3 protein function with a negative predictive value of 80%. In summary, the available evidence is currently insufficient to determine the role of this variant in disease. Therefore, it has been classified as a Variant of Uncertain Significance.

Mayo Clinic Laboratories, Mayo Clinic
Classification: Uncertain significance. Last evaluated: 2024-02-14. Review status: criteria provided, single submitter. Criteria: ACMG Guidelines, 2015. Collection method: clinical testing. Allele origin: germline. Observed: 1 variant allele.
Comment: BS2

Ambry Genetics
Classification: Uncertain significance for Cardiovascular phenotype. Last evaluated: 2022-05-15. Review status: criteria provided, single submitter. Criteria: Ambry Variant Classification Scheme 2023. Collection method: clinical testing. Allele origin: germline.
Comment: The p.Y233C variant (also known as c.698A>G), located in coding exon 3 of the BAG3 gene, results from an A to G substitution at nucleotide position 698. The tyrosine at codon 233 is replaced by cysteine, an amino acid with highly dissimilar properties. This amino acid position is conserved. In addition, this alteration is predicted to be deleterious by in silico analysis. Since supporting evidence is limited at this time, the clinical significance of this alteration remains unclear.

GeneDx
Classification: Uncertain significance. Last evaluated: 2020-12-08. Review status: criteria provided, single submitter. Criteria: GeneDx Variant Classification Process June 2021. Collection method: clinical testing. Allele origin: germline. Affected: yes.
Comment: Has not been previously published as pathogenic or benign to our knowledge; Not observed in large population cohorts (Lek et al., 2016); In silico analysis, which includes protein predictors and evolutionary conservation, supports a deleterious effect; Reported in ClinVar as a variant of uncertain significance (ClinVar Variant ID# 571982; Landrum et al., 2016)

Revvity Omics, Revvity
Classification: Uncertain significance. Last evaluated: 2019-08-14. Review status: criteria provided, single submitter. Criteria: ACMG Guidelines, 2015. Collection method: clinical testing. Allele origin: germline.

NM_004281.4(BAG3):c.698A>G (p.Tyr233Cys)

Gene: BAG3 (BAG cochaperone 3; plus strand). Cytogenetic location: 10q26.11.
Variant type: single nucleotide variant.
Coding change: c.698A>G on transcript NM_004281.4 (MANE Select); coding-DNA position 698, A replaced by G.
Protein change: p.Tyr233Cys; replaces tyrosine 233 with cysteine.
Molecular consequence: missense variant.
Genome position (GRCh38, 1-based): chr10:119,672,445, A>G. VCF-style: chr10-119672445-A-G. GRCh37 (hg19) VCF-style: chr10-121431957-A-G.
Other names: p.Tyr233Cys; short protein forms Y233C.
Identifiers: ClinVar variation 571982 (VCV000571982.16), dbSNP rs1415830597, ClinGen allele CA378295613.